The following is an entry in ClinVar:

ClinVar aggregate classification (germline): Uncertain significance (1 of 4 stars; one submission).

Conditions:
Familial thoracic aortic aneurysm and aortic dissection (TAAD). Also called: Thoracic aortic aneurysms and dissections. Identifiers: Orphanet 91387, MedGen C4707243, MONDO:0019625.
Hereditary cancer-predisposing syndrome. Also called: Neoplastic Syndromes, Hereditary; Tumor predisposition; Hereditary neoplastic syndrome; Hereditary Cancer Syndrome. Identifiers: Orphanet 140162, MedGen C0027672, MeSH D009386, MONDO:0015356.

Submission:

Ambry Genetics
Classification: Uncertain significance for Hereditary cancer-predisposing syndrome; Familial thoracic aortic aneurysm and aortic dissection. Last evaluated: 2022-11-29. Review status: criteria provided, single submitter. Criteria: Ambry Variant Classification Scheme 2023. Collection method: clinical testing. Allele origin: germline.
Comment: **This variant should be marked as Not Reported (Out of Range). First impacted nt is at the -6 position.**

NM_005359.6(SMAD4):c.1140-5del

Gene: SMAD4 (SMAD family member 4; plus strand). Cytogenetic location: 18q21.2.
Variant type: Deletion.
Coding change: c.1140-5del on transcript NM_005359.6 (MANE Select); 5 bases into the intron before coding-DNA position 1140, one base deleted (C; older notation c.1140-5delC).
Molecular consequence: intron variant.
Genome position (GRCh38, 1-based): chr18:51,067,014, C deleted; the last of 2 consecutive C bases (chr18:51,067,013-51,067,014); deleting either gives the same sequence. VCF-style (leftmost placement, unchanged base first): chr18-51067012-TC-T. GRCh37 (hg19) VCF-style: chr18-48593382-TC-T.
Other names: c.1140-5del (NM_001407042.1, NM_001407041.1).
Identifiers: ClinVar variation 2452508 (VCV002452508.2), dbSNP rs2511384518, ClinGen allele CA2580095817.